The following is an entry in ClinVar:

NM_173560.4(RFX6):c.1667T>C (p.Met556Thr)

Gene: RFX6 (regulatory factor X6; plus strand). Cytogenetic location: 6q22.1.
Variant type: single nucleotide variant.
Coding change: c.1667T>C on transcript NM_173560.4 (MANE Select); coding-DNA position 1667, T replaced by C.
Protein change: p.Met556Thr; replaces methionine 556 with threonine.
Molecular consequence: missense variant.
Genome position (GRCh38, 1-based): chr6:116,924,780, T>C. VCF-style: chr6-116924780-T-C. GRCh37 (hg19) VCF-style: chr6-117245943-T-C.
Other names: short protein forms M556T.
Identifiers: ClinVar variation 3368011 (VCV003368011.1).

ClinVar aggregate classification (germline): Uncertain significance (1 of 4 stars; one submission).

gnomAD v4.1: 2 of 1,585,020 alleles (0.00013%); highest among the groups gnomAD compares: East Asian, 0.0022%; no homozygotes.

Submission:

GeneDx
Classification: Uncertain significance. Last evaluated: 2024-01-23. Review status: criteria provided, single submitter. Criteria: GeneDx Variant Classification Process June 2021. Collection method: clinical testing. Allele origin: germline. Affected: yes.
Comment: Not observed at significant frequency in large population cohorts (gnomAD); In silico analysis supports that this missense variant has a deleterious effect on protein structure/function; Has not been previously published as pathogenic or benign to our knowledge